The following is an entry in ClinVar:

NM_000330.4(RS1):c.11_13del (p.Lys4del)

Gene: RS1 (retinoschisin 1; minus strand). Cytogenetic location: Xp22.13.
Variant type: Deletion.
Coding change: c.11_13del on transcript NM_000330.4 (MANE Select); coding-DNA positions 11 to 13, 3 bases deleted (AGA; older notation c.11_13delAGA).
Protein change: p.Lys4del; deletes lysine 4.
Molecular consequence: inframe deletion.
Genome position (GRCh38, 1-based): chrX:18,672,056-18,672,058, TCT deleted on the plus strand (AGA on the coding strand, the reverse complement: RS1 is on the minus strand); deleting any 3 consecutive bases within chrX:18,672,056-18,672,059 gives the same sequence; the c. name uses the placement nearest the transcript's 3' end. VCF-style (leftmost placement, unchanged base first): chrX-18672055-ATCT-A. GRCh37 (hg19) VCF-style: chrX-18690175-ATCT-A.
Other names: short protein forms K4del.
Identifiers: ClinVar variation 1504744 (VCV001504744.8), dbSNP rs2147209810, ClinGen allele CA2573158483.

ClinVar aggregate classification (germline): Uncertain significance (1 of 4 stars; one submission).

Submission:

Labcorp Genetics (formerly Invitae), Labcorp
Classification: Uncertain significance. Last evaluated: 2021-04-05. Review status: criteria provided, single submitter. Criteria: Invitae Variant Classification Sherloc (09022015). Collection method: clinical testing. Allele origin: germline.
Comment: This variant, c.11_13del, results in the deletion of 1 amino acid(s) of the RS1 protein (p.Lys4del), but otherwise preserves the integrity of the reading frame. This variant is not present in population databases (ExAC no frequency). In summary, the available evidence is currently insufficient to determine the role of this variant in disease. Therefore, it has been classified as a Variant of Uncertain Significance. Experimental studies and prediction algorithms are not available or were not evaluated, and the functional significance of this variant is currently unknown. This variant has not been reported in the literature in individuals with RS1-related conditions.